The following is an entry in ClinVar:

NM_001276270.2(MBD4):c.651T>C (p.Asp217=)

Gene: MBD4 (methyl-CpG binding domain 4, DNA glycosylase; minus strand). Cytogenetic location: 3q21.3.
Variant type: single nucleotide variant.
Coding change: c.651T>C on transcript NM_001276270.2 (MANE Select); coding-DNA position 651, T replaced by C.
Protein change: p.Asp217=; no amino-acid change (aspartic acid 217 retained).
Molecular consequence: synonymous variant. On other transcripts: intron variant (1).
Genome position (GRCh38, 1-based): chr3:129,436,993, A>G on the plus strand (T>C on the coding strand, the complement: MBD4 is on the minus strand). VCF-style: chr3-129436993-A-G. GRCh37 (hg19) VCF-style: chr3-129155836-A-G.
Other names: c.651T>C, p.Asp217= (NM_001276271.2, NM_001276272.2, NM_003925.3); c.247+815T>C (NM_001276273.2).
Identifiers: ClinVar variation 3692166 (VCV003692166.4).

ClinVar aggregate classification (germline): Benign/Likely benign. Review status: criteria provided, multiple submitters, no conflicts (2 of 4 stars). 3 submissions from 3 submitters: Benign (1); Likely benign (2). Last evaluated 2026-06-11.

Conditions:
Tumor predisposition syndrome 2 (TPDS2). Also called: MBD4-Related Tumor Predisposition Syndrome; MBD4-associated neoplasia syndrome (MANS); MBD4-ASSOCIATED NEOPLASIA SYNDROME. Identifiers: Orphanet 661526, MedGen C5774186, MONDO:0859267, OMIM 619975.
Inborn genetic diseases. Identifiers: MedGen C0950123, MeSH D030342.

gnomAD v4.1: 13 of 1,614,182 alleles (0.00081%); highest among the groups gnomAD compares: Non-Finnish European, 0.0011%; no homozygotes.

Submissions (3):

Myriad Genetics, Inc.
Classification: Benign for Tumor predisposition syndrome 2. Last evaluated: 2026-06-11. Review status: criteria provided, single submitter. Criteria: Myriad Autosomal Dominant, Autosomal Recessive and X-Linked Classification Criteria (2023). Collection method: clinical testing. Allele origin: unknown.
Comment: This variant is considered benign. This variant is a silent/synonymous amino acid change and it is not expected to impact splicing.

Labcorp Genetics (formerly Invitae), Labcorp
Classification: Likely benign. Last evaluated: 2025-10-12. Review status: criteria provided, single submitter. Criteria: Invitae Variant Classification Sherloc (09022015). Collection method: clinical testing. Allele origin: germline.

Ambry Genetics
Classification: Likely benign for Inborn genetic diseases. Last evaluated: 2024-12-21. Review status: criteria provided, single submitter. Criteria: Ambry Variant Classification Scheme 2023. Collection method: clinical testing. Allele origin: germline.